The following is an entry in ClinVar:

NM_032043.3(BRIP1):c.440dup (p.Tyr147Ter)

Gene: BRIP1 (BRCA1 interacting DNA helicase 1; minus strand). Cytogenetic location: 17q23.2.
Variant type: Duplication.
Coding change: c.440dup on transcript NM_032043.3 (MANE Select); coding-DNA position 440, one base duplicated (A; older notation c.440dupA).
Protein change: p.Tyr147Ter; replaces tyrosine 147 with a stop codon.
Molecular consequence: nonsense.
Genome position (GRCh38, 1-based): chr17:61,849,196, T duplicated on the plus strand (A on the coding strand, the reverse complement: BRIP1 is on the minus strand). VCF-style (leftmost placement, unchanged base first): chr17-61849195-G-GT. GRCh37 (hg19) VCF-style: chr17-59926556-G-GT.
Other names: c.440dupA (NM_032043.2); short protein forms Y147*.
Identifiers: ClinVar variation 187164 (VCV000187164.21), dbSNP rs786203521, ClinGen allele CA196900.

ClinVar aggregate classification (germline): Pathogenic/Likely pathogenic. Review status: criteria provided, multiple submitters, no conflicts (2 of 4 stars). 7 submissions from 7 submitters: Pathogenic (6); Likely pathogenic (1). Last evaluated 2025-05-05.

Conditions:
Familial cancer of breast. Also called: BREAST CANCER, FAMILIAL; Hereditary breast cancer; hereditary breast carcinoma. Identifiers: Orphanet 227535, MedGen C0346153, MONDO:0016419, OMIM 114480. Disease mechanism: loss of function.
Hereditary breast ovarian cancer syndrome. Also called: Hereditary breast and ovarian cancer; Hereditary breast and ovarian cancer syndrome; Breast and ovarian cancer; Hereditary breast and ovarian cancer syndrome (HBOC); Hereditary breast and/or ovarian cancer syndrome; BRCA1- and BRCA2-Associated Hereditary Breast and Ovarian Cancer. Identifiers: Orphanet 145, MedGen C0677776, MeSH D061325, MONDO:0003582. Disease mechanism: loss of function.
Fanconi anemia complementation group J. Also called: BRIP1-Related Fanconi Anemia. Identifiers: Orphanet 84, MedGen C1836860, MONDO:0012187, OMIM 609054.
Hereditary cancer-predisposing syndrome. Also called: Hereditary Cancer Syndrome; Neoplastic Syndromes, Hereditary; Tumor predisposition; Hereditary neoplastic syndrome. Identifiers: Orphanet 140162, MedGen C0027672, MeSH D009386, MONDO:0015356.

Submissions (7):

Labcorp Genetics (formerly Invitae), Labcorp
Classification: Pathogenic for Familial cancer of breast; Fanconi anemia complementation group J. Last evaluated: 2025-05-05. Review status: criteria provided, single submitter. Criteria: Invitae Variant Classification Sherloc (09022015). Collection method: clinical testing. Allele origin: germline.
Comment: This sequence change creates a premature translational stop signal (p.Tyr147*) in the BRIP1 gene. It is expected to result in an absent or disrupted protein product. Loss-of-function variants in BRIP1 are known to be pathogenic (PMID: 16116423, 17033622, 21964575). This variant is not present in population databases (gnomAD no frequency). This premature translational stop signal has been observed in individual(s) with breast cancer (PMID: 25452441). ClinVar contains an entry for this variant (Variation ID: 187164). Algorithms developed to predict the effect of sequence changes on RNA splicing suggest that this variant may disrupt the consensus splice site. For these reasons, this variant has been classified as Pathogenic.

Baylor Genetics
Classification: Pathogenic for Familial cancer of breast. Last evaluated: 2023-10-25. Review status: criteria provided, single submitter. Criteria: ACMG Guidelines, 2015. Collection method: clinical testing. Allele origin: unknown.

Myriad Genetics, Inc.
Classification: Pathogenic for Familial cancer of breast. Last evaluated: 2023-05-31. Review status: criteria provided, single submitter. Criteria: Myriad Autosomal Dominant, Autosomal Recessive and X-Linked Classification Criteria (2023). Collection method: clinical testing. Allele origin: unknown.
Comment: This variant is considered pathogenic. This variant creates a termination codon and is predicted to result in premature protein truncation.

Ambry Genetics
Classification: Pathogenic for Hereditary cancer-predisposing syndrome. Last evaluated: 2023-02-24. Review status: criteria provided, single submitter. Criteria: Ambry Variant Classification Scheme 2023. Collection method: clinical testing. Allele origin: germline.
Comment: The c.440dupA pathogenic mutation, located in coding exon 4 of the BRIP1 gene, results from a duplication of A at nucleotide position 440, causing a translational frameshift with a predicted alternate stop codon (p.Y147*). This alteration has been detected in 1/1824 patients with triple-negative breast cancer who were unselected for a family history of breast or ovarian cancer (Couch FJ et al. J Clin Oncol, 2015 Feb;33:304-11). This variant is considered to be rare based on population cohorts in the Genome Aggregation Database (gnomAD). In addition to the clinical data presented in the literature, this alteration is expected to result in loss of function by premature protein truncation or nonsense-mediated mRNA decay. As such, this alteration is interpreted as a disease-causing mutation.

Color Diagnostics, LLC DBA Color Health
Classification: Pathogenic for Hereditary cancer-predisposing syndrome. Last evaluated: 2019-09-10. Review status: criteria provided, single submitter. Criteria: ACMG Guidelines, 2015. Collection method: clinical testing. Allele origin: germline.
Comment: This variant inserts 1 nucleotide in exon 5 of the BRIP1 gene, creating a premature translation stop signal. Splice site prediction tools suggest that this variant may not impact RNA splicing. To our knowledge, functional studies have not been performed for this variant. This variant has been reported in an individual affected with breast cancer (PMID: 25452441). This variant has not been identified in the general population by the Genome Aggregation Database (gnomAD). Loss of BRIP1 function is a known mechanism of disease. Based on the available evidence, this variant is classified as Pathogenic.

GeneDx
Classification: Pathogenic. Last evaluated: 2018-02-20. Review status: criteria provided, single submitter. Criteria: GeneDx Variant Classification (06012015). Collection method: clinical testing. Allele origin: germline. Affected: yes.
Comment: This variant is denoted BRIP1 c.440dupA at the cDNA level and p.Tyr147Ter (Y147X) at the protein level. The substitution creates a nonsense variant, which changes a Tyrosine to a premature stop codon (TAC>TAA), and is predicted to cause loss of normal protein function through either protein truncation or nonsense-mediated mRNA decay. This variant has been reported in at least one individual with triple negative breast cancer and another referred for inherited cancer multi-gene panel testing (Couch 2015, Gardner 2018). Based on the current evidence, we consider this variant to be pathogenic.

Women's Health and Genetics/Laboratory Corporation of America, LabCorp
Classification: Likely pathogenic for Hereditary breast ovarian cancer syndrome. Last evaluated: 2017-09-01. Review status: criteria provided, single submitter. Criteria: LabCorp Variant Classification Summary - May 2015. Collection method: clinical testing. Allele origin: germline.
Comment: Variant summary: The BRIP1 c.440dupA (p.Tyr147X) variant results in a premature termination codon, predicted to cause a truncated or absent BRIP1 protein due to nonsense mediated decay, which are commonly known mechanisms for disease. Truncations downstream of this position have been classified as pathogenic by our laboratory (e.g. p.Ser624X, c.2255_2256delAA (Lys752fsX12), p.Tyr800X, etc.). This variant is absent in 121374 control chromosomes from ExAC. This variant has been reported in one patient with triple negative breast cancer in literature (Couch_2015). In addition, multiple clinical diagnostic laboratories have classified this variant as pathogenic. Taken together, this variant is classified as likely pathogenic.

Literature cited by the submitters: PubMed 16116423 (cited by Labcorp Genetics (formerly Invitae), Labcorp); PubMed 17033622 (cited by Labcorp Genetics (formerly Invitae), Labcorp); PubMed 21964575 (cited by Labcorp Genetics (formerly Invitae), Labcorp); PubMed 25452441 (cited by Labcorp Genetics (formerly Invitae), Labcorp and Ambry Genetics).